The following is an entry in ClinVar:

NM_014714.4(IFT140):c.1574G>C (p.Cys525Ser)

Gene: IFT140 (intraflagellar transport 140; minus strand). Cytogenetic location: 16p13.3.
Variant type: single nucleotide variant.
Coding change: c.1574G>C on transcript NM_014714.4 (MANE Select); coding-DNA position 1574, G replaced by C.
Protein change: p.Cys525Ser; replaces cysteine 525 with serine.
Molecular consequence: missense variant.
Genome position (GRCh38, 1-based): chr16:1,571,485, C>G on the plus strand (G>C on the coding strand, the complement: IFT140 is on the minus strand). VCF-style: chr16-1571485-C-G. GRCh37 (hg19) VCF-style: chr16-1621486-C-G.
Other names: short protein forms C525S.
Identifiers: ClinVar variation 766901 (VCV000766901.16), dbSNP rs112545558, ClinGen allele CA7814219.
Genomic context (GRCh38, chr16:1,571,485, plus strand): 5'-CTTTTAAAGTGAGCCAAGTCTGTCCCTACAACCAGGAAATTCCCACAGATGTCCAAGAAG[C>G]AGGGATTCCCCTCAGTCTCCGAGAAAAGGAGGAGTTGTTTGACAGTCCCCTGAGGAAAAG-3'
Protein context (NP_055529.2, residues 515-535): LLFSETEGNP[Cys525Ser]FLDICGNFLV

ClinVar aggregate classification (germline): Conflicting classifications of pathogenicity. Review status: criteria provided, conflicting classifications (1 of 4 stars). 4 submissions from 4 submitters: Uncertain significance (1); Likely benign (2). 1 of the submissions does not count toward it. Last evaluated 2026-01-26.

Conditions:
IFT140-related disorder. Also called: IFT140-related condition.
Saldino-Mainzer syndrome (SRTD9). Also called: CONORENAL SYNDROME; short-rib thoracic dysplasia 9 with or without polydactyly; Renal dysplasia, retinal pigmentary dystrophy, cerebellar ataxia and skeletal dysplasia; SHORT-RIB THORACIC DYSPLASIA 9 WITHOUT POLYDACTYLY. Identifiers: Orphanet 140969, MedGen C1849437, MONDO:0009964, OMIM 266920.

Allele frequency attached by ClinVar (database versions not stated): gnomAD exomes 0.00010 and 0.00027; gnomAD 0.00122 and 0.00129; TOPMed 0.00122; 1000 Genomes Project 30x 0.00234; 1000 Genomes Project 0.00280; ExAC 0.00042; ESP Exome Variant Server 0.00077.
gnomAD v4.1: 357 of 1,614,080 alleles (0.022%); highest among the groups gnomAD compares: African/African-American, 0.43%; 2 homozygotes.

Submissions (4):

Labcorp Genetics (formerly Invitae), Labcorp
Classification: Likely benign for Saldino-Mainzer syndrome. Last evaluated: 2026-01-26. Review status: criteria provided, single submitter. Criteria: Invitae Variant Classification Sherloc (09022015). Collection method: clinical testing. Allele origin: germline.

Blueprint Genetics
Classification: Likely benign. Last evaluated: 2024-09-02. Review status: criteria provided, single submitter. Criteria: ACMG Guidelines, 2015. Collection method: clinical testing. Allele origin: germline.

GeneDx
Classification: Uncertain significance. Last evaluated: 2019-07-03. Review status: criteria provided, single submitter. Criteria: GeneDx Variant Classification Process June 2021. Collection method: clinical testing. Allele origin: germline. Affected: yes.
Comment: In silico analysis, which includes protein predictors and evolutionary conservation, supports that this variant does not alter protein structure/function; Has not been previously published as pathogenic or benign to our knowledge

PreventionGenetics, part of Exact Sciences
Classification: Likely benign for IFT140-related condition. Last evaluated: 2022-07-06. Review status: no assertion criteria provided. Collection method: clinical testing. Allele origin: germline. Not counted in ClinVar's aggregate classification.
Comment: This variant is classified as likely benign based on ACMG/AMP sequence variant interpretation guidelines (Richards et al. 2015 PMID: 25741868, with internal and published modifications).